The following is an entry in ClinVar:

ClinVar aggregate classification (germline): Benign/Likely benign. Review status: criteria provided, multiple submitters, no conflicts (2 of 4 stars). 27 submissions from 20 submitters: Benign (19); Likely benign (2). 6 of the submissions do not count toward it. Last evaluated 2026-02-03.

Conditions:
Cardiovascular phenotype. Identifiers: MedGen CN230736.
Dilated cardiomyopathy 1G (CMD1G). Identifiers: Orphanet 154, MedGen C1858763, MONDO:0011400, OMIM 604145.
Autosomal recessive limb-girdle muscular dystrophy type 2J (LGMDR10). Also called: MUSCULAR DYSTROPHY, LIMB-GIRDLE, AUTOSOMAL RECESSIVE 10; Limb-girdle muscular dystrophy, type 2J. Identifiers: Orphanet 140922, MedGen C1837342, MONDO:0012127, OMIM 608807.
Cardiomyopathy (CMYO). Also called: Cardiomyopathies. Identifiers: Orphanet 167848, MedGen C0878544, MONDO:0004994, HP:0001638. Inheritance: Various modes of inheritance.
Early-onset myopathy with fatal cardiomyopathy (CMYO5). Also called: CONGENITAL MYOPATHY 5 WITH CARDIOMYOPATHY; Salih Myopathy. Identifiers: Orphanet 289377, MedGen C2673677, MONDO:0012714, OMIM 611705. Disease mechanism: loss of function.
Tibial muscular dystrophy (TMD). Also called: Udd Distal Myopathy – Tibial Muscular Dystrophy; Tibial muscular dystrophy, tardive; UDD MYOPATHY. Identifiers: Orphanet 609, MedGen C1838244, MONDO:0010870, OMIM 600334.
Myopathy, myofibrillar, 9, with early respiratory failure (MFM9). Also called: Myopathy, distal, with early respiratory failure, autosomal dominant; Hereditary myopathy with early respiratory failure; MYOPATHY, PROXIMAL, WITH EARLY RESPIRATORY MUSCLE INVOLVEMENT; EDSTROM MYOPATHY. Identifiers: Orphanet 178464, Orphanet 34521, MedGen C1863599, MONDO:0011362, OMIM 603689.

Allele frequency attached by ClinVar (database versions not stated): TOPMed 0.01043; 1000 Genomes Project 0.03934; ESP Exome Variant Server 0.00267; 1000 Genomes Project 30x 0.03592.
gnomAD v4.1: 14,817 of 1,602,542 alleles (0.92%); highest among the groups gnomAD compares: East Asian, 13%; 522 homozygotes.

Submissions (27):

Labcorp Genetics (formerly Invitae), Labcorp
Classification: Benign for Dilated cardiomyopathy 1G; Autosomal recessive limb-girdle muscular dystrophy type 2J. Last evaluated: 2026-02-03. Review status: criteria provided, single submitter. Criteria: Invitae Variant Classification Sherloc (09022015). Collection method: clinical testing. Allele origin: germline.

Molecular Diagnostic Laboratory for Inherited Cardiovascular Disease, Montreal Heart Institute
Classification: Benign. Last evaluated: 2025-04-09. Review status: criteria provided, single submitter. Criteria: ACMG Guidelines, 2015. Collection method: clinical testing. Allele origin: germline. Affected: no.

Genome-Nilou Lab
Classification: Benign for Autosomal recessive limb-girdle muscular dystrophy type 2J. Last evaluated: 2021-09-10. Review status: criteria provided, single submitter. Criteria: ACMG Guidelines, 2015. Collection method: clinical testing. Allele origin: germline. Affected: no.

Genome-Nilou Lab
Classification: Benign for Myopathy, myofibrillar, 9, with early respiratory failure. Last evaluated: 2021-09-10. Review status: criteria provided, single submitter. Criteria: ACMG Guidelines, 2015. Collection method: clinical testing. Allele origin: germline. Affected: no.

Genome-Nilou Lab
Classification: Benign for Early-onset myopathy with fatal cardiomyopathy. Last evaluated: 2021-09-10. Review status: criteria provided, single submitter. Criteria: ACMG Guidelines, 2015. Collection method: clinical testing. Allele origin: germline. Affected: no.

Genome-Nilou Lab
Classification: Benign for Tibial muscular dystrophy. Last evaluated: 2021-09-10. Review status: criteria provided, single submitter. Criteria: ACMG Guidelines, 2015. Collection method: clinical testing. Allele origin: germline. Affected: no.

Women's Health and Genetics/Laboratory Corporation of America, LabCorp
Classification: Likely benign. Last evaluated: 2020-11-09. Review status: criteria provided, single submitter. Criteria: LabCorp Variant Classification Summary - May 2015. Collection method: clinical testing. Allele origin: germline.

Athena Diagnostics
Classification: Benign. Last evaluated: 2019-06-26. Review status: criteria provided, single submitter. Criteria: Athena Diagnostics Criteria. Collection method: clinical testing. Allele origin: germline.

Illumina Laboratory Services, Illumina
Classification: Benign for Early-onset myopathy with fatal cardiomyopathy. Last evaluated: 2018-01-12. Review status: criteria provided, single submitter. Criteria: ICSL Variant Classification Criteria 13 December 2019. Collection method: clinical testing. Allele origin: germline.
Comment: This variant was observed in the ICSL laboratory as part of a predisposition screen in an ostensibly healthy population. It had not been previously curated by ICSL or reported in the Human Gene Mutation Database (HGMD: prior to June 1st, 2018), and was therefore a candidate for classification through an automated scoring system. Utilizing variant allele frequency, disease prevalence and penetrance estimates, and inheritance mode, an automated score was calculated to assess if this variant is too frequent to cause the disease. Based on the score and internal cut-off values, a variant classified as benign is not then subjected to further curation. The score for this variant resulted in a classification of benign for this disease.

Illumina Laboratory Services, Illumina
Classification: Benign for Autosomal recessive limb-girdle muscular dystrophy type 2J. Last evaluated: 2018-01-12. Review status: criteria provided, single submitter. Criteria: ICSL Variant Classification Criteria 13 December 2019. Collection method: clinical testing. Allele origin: germline.
Comment: the same text as in the submission from Illumina Laboratory Services, Illumina above.

Illumina Laboratory Services, Illumina
Classification: Benign for Myopathy, myofibrillar, 9, with early respiratory failure. Last evaluated: 2018-01-12. Review status: criteria provided, single submitter. Criteria: ICSL Variant Classification Criteria 13 December 2019. Collection method: clinical testing. Allele origin: germline.
Comment: the same text as in the submission from Illumina Laboratory Services, Illumina above.

Illumina Laboratory Services, Illumina
Classification: Benign for Tibial muscular dystrophy. Last evaluated: 2018-01-12. Review status: criteria provided, single submitter. Criteria: ICSL Variant Classification Criteria 13 December 2019. Collection method: clinical testing. Allele origin: germline.
Comment: the same text as in the submission from Illumina Laboratory Services, Illumina above.

Illumina Laboratory Services, Illumina
Classification: Benign for Dilated cardiomyopathy 1G. Last evaluated: 2018-01-12. Review status: criteria provided, single submitter. Criteria: ICSL Variant Classification Criteria 13 December 2019. Collection method: clinical testing. Allele origin: germline.
Comment: the same text as in the submission from Illumina Laboratory Services, Illumina above.

Mayo Clinic Laboratories, Mayo Clinic
Classification: Benign. Last evaluated: 2017-12-11. Review status: criteria provided, single submitter. Criteria: ACMG Guidelines, 2015. Collection method: clinical testing. Allele origin: germline. Observed: 39 variant alleles.

CHEO Genetics Diagnostic Laboratory, Children's Hospital of Eastern Ontario
Classification: Benign for Cardiomyopathy. Last evaluated: 2015-12-17. Review status: criteria provided, single submitter. Criteria: ACMG Guidelines, 2015. Collection method: clinical testing. Allele origin: germline. Study: Canadian Open Genetics Repository.

Eurofins Ntd Llc (ga)
Classification: Benign. Last evaluated: 2015-06-10. Review status: criteria provided, single submitter. Criteria: EGL Classification Definitions 2015. Collection method: clinical testing. Allele origin: germline. Observed: 1 variant allele, 1 heterozygote.

GeneDx
Classification: Benign. Last evaluated: 2014-04-02. Review status: criteria provided, single submitter. Criteria: GeneDx Variant Classification (06012015). Collection method: clinical testing. Allele origin: germline. Affected: yes.
Comment: This variant is considered likely benign or benign based on one or more of the following criteria: it is a conservative change, it occurs at a poorly conserved position in the protein, it is predicted to be benign by multiple in silico algorithms, and/or has population frequency not consistent with disease.

Biesecker Lab/Clinical Genomics Section, National Institutes of Health
Classification: Benign. Last evaluated: 2013-06-24. Review status: criteria provided, single submitter. Criteria: Ng et al. (Circ Cardiovasc Genet. 2013). Collection method: research. Allele origin: unknown. Observed: 10 variant alleles. Study: ClinSeq.
Comment: The study set was not selected for affection status in relation to any cancer. Pathogenicity categories were based on literature curation. See Pubmed ID:23861362 for details.

Medical sequencing

Ambry Genetics
Classification: Benign for Cardiovascular phenotype. Last evaluated: 2012-10-01. Review status: criteria provided, single submitter. Criteria: Ambry Autosomal Dominant and X-Linked criteria (10/2015). Collection method: clinical testing. Allele origin: germline. Observed: 1 variant allele.

Laboratory for Molecular Medicine, Mass General Brigham Personalized Medicine
Classification: Benign. Last evaluated: 2012-07-30. Review status: criteria provided, single submitter. Criteria: LMM Criteria. Collection method: clinical testing. Allele origin: germline. Observed: 31 variant alleles.

Breakthrough Genomics
Classification: Likely benign. Review status: criteria provided, single submitter. Criteria: ACMG Guidelines, 2015. Collection method: not provided. Allele origin: germline. Inheritance: Autosomal recessive inheritance. Affected: yes.

Clinical Genetics DNA and cytogenetics Diagnostics Lab, Erasmus MC, Erasmus Medical Center
Classification: Benign. Review status: no assertion criteria provided. Collection method: clinical testing. Allele origin: germline. Affected: yes. Study: VKGL Data-share Consensus. Not counted in ClinVar's aggregate classification.

Clinical Genetics, Academic Medical Center
Classification: Benign. Review status: no assertion criteria provided. Collection method: clinical testing. Allele origin: germline. Affected: yes. Study: VKGL Data-share Consensus. Not counted in ClinVar's aggregate classification.

Genetic Services Laboratory, University of Chicago
Classification: Likely benign for AllHighlyPenetrant. Review status: no assertion criteria provided. Collection method: clinical testing. Allele origin: germline. Not counted in ClinVar's aggregate classification.
Comment: Likely benign based on allele frequency in 1000 Genomes Project or ESP global frequency and its presence in a patient with a rare or unrelated disease phenotype. NOT Sanger confirmed.

Genome Diagnostics Laboratory, University Medical Center Utrecht
Classification: Likely benign. Review status: no assertion criteria provided. Collection method: clinical testing. Allele origin: germline. Affected: yes. Study: VKGL Data-share Consensus. Not counted in ClinVar's aggregate classification.

Joint Genome Diagnostic Labs from Nijmegen and Maastricht, Radboudumc and MUMC+
Classification: Benign. Review status: no assertion criteria provided. Collection method: clinical testing. Allele origin: germline. Affected: yes. Study: VKGL Data-share Consensus. Not counted in ClinVar's aggregate classification.

Laboratory of Diagnostic Genome Analysis, Leiden University Medical Center (LUMC)
Classification: Likely benign. Review status: no assertion criteria provided. Collection method: clinical testing. Allele origin: germline. Affected: yes. Study: VKGL Data-share Consensus. Not counted in ClinVar's aggregate classification.

Literature cited by the submitters: PubMed 27273923 (cited by Athena Diagnostics); PubMed 23861362 (cited by Athena Diagnostics); PubMed 25889363 (cited by Athena Diagnostics).

NM_001267550.2(TTN):c.39704C>G (p.Pro13235Arg)

Gene: TTN (titin; minus strand). Cytogenetic location: 2q31.2.
Variant type: single nucleotide variant.
Coding change: c.39704C>G on transcript NM_001267550.2 (MANE Select); coding-DNA position 39704, C replaced by G.
Protein change: p.Pro13235Arg; replaces proline 13235 with arginine.
Molecular consequence: missense variant. On other transcripts: intron variant (3).
Genome position (GRCh38, 1-based): chr2:178,650,756, G>C on the plus strand (C>G on the coding strand, the complement: TTN is on the minus strand). VCF-style: chr2-178650756-G-C. GRCh37 (hg19) VCF-style: chr2-179515483-G-C.
Other names: p.P10801R:CCA>CGA; c.35183C>G, p.Pro11728Arg (NM_001256850.1); c.32402C>G, p.Pro10801Arg (NM_133378.4); c.13283-8439C>G (NM_003319.4); c.13859-8439C>G (NM_133437.4); c.13658-8439C>G (NM_133432.3); short protein forms P13235R, P10801R, P11728R.
Identifiers: ClinVar variation 46929 (VCV000046929.39), dbSNP rs72650066, ClinGen allele CA283188.